The following is an entry in ClinVar:

ClinVar aggregate classification (germline): Uncertain significance (1 of 4 stars; one submission).

Allele frequency attached by ClinVar (database versions not stated): gnomAD 0.00001; TOPMed 0.00002.

Submission:

Labcorp Genetics (formerly Invitae), Labcorp
Classification: Uncertain significance. Last evaluated: 2024-07-12. Review status: criteria provided, single submitter. Criteria: Invitae Variant Classification Sherloc (09022015). Collection method: clinical testing. Allele origin: germline.
Comment: This sequence change replaces arginine, which is basic and polar, with histidine, which is basic and polar, at codon 27 of the OAS1 protein (p.Arg27His). This variant is present in population databases (rs777467037, gnomAD 0.004%). This variant has not been reported in the literature in individuals affected with OAS1-related conditions. An algorithm developed to predict the effect of missense changes on protein structure and function (PolyPhen-2) suggests that this variant is likely to be tolerated. In summary, the available evidence is currently insufficient to determine the role of this variant in disease. Therefore, it has been classified as a Variant of Uncertain Significance.

NM_016816.4(OAS1):c.80G>A (p.Arg27His)

Genes: OAS1 (2'-5'-oligoadenylate synthetase 1; plus strand), LOC130008812 (ATAC-STARR-seq lymphoblastoid active region 7052; plus strand). Cytogenetic location: 12q24.13.
Variant type: single nucleotide variant.
Coding change: c.80G>A on transcript NM_016816.4 (MANE Select); coding-DNA position 80, G replaced by A.
Protein change: p.Arg27His; replaces arginine 27 with histidine.
Molecular consequence: missense variant. On other transcripts: non-coding transcript variant (9).
Genome position (GRCh38, 1-based): chr12:112,907,119, G>A. VCF-style: chr12-112907119-G-A. GRCh37 (hg19) VCF-style: chr12-113344924-G-A.
Other names: c.80G>A, p.Arg27His (NM_001406027.1, NM_001406029.1, NM_001406030.1 and 11 more transcripts); short protein forms R27H.
Identifiers: ClinVar variation 2970365 (VCV002970365.3), dbSNP rs777467037, ClinGen allele CA6799677.